The following is an entry in ClinVar:

ClinVar aggregate classification (germline): Uncertain significance (1 of 4 stars; one submission).

Submission:

GeneDx
Classification: Uncertain significance. Last evaluated: 2025-07-10. Review status: criteria provided, single submitter. Criteria: GeneDx Variant Classification Process June 2021. Collection method: clinical testing. Allele origin: germline. Affected: yes.
Comment: Not observed at significant frequency in large population cohorts (gnomAD); Frameshift variant predicted to result in abnormal protein length as the last 237 amino acid(s) are replaced with 24 different amino acid(s); Has not been previously published as pathogenic or benign to our knowledge

NM_001394998.1(TANC2):c.5513del (p.Pro1838fs)

Gene: TANC2 (tetratricopeptide repeat, ankyrin repeat and coiled-coil containing 2; plus strand). Cytogenetic location: 17q23.3.
Variant type: Deletion.
Coding change: c.5513del on transcript NM_001394998.1 (MANE Select); coding-DNA position 5513, one base deleted (C; older notation c.5513delC).
Protein change: p.Pro1838fs; shifts the reading frame from proline 1838.
Molecular consequence: frameshift variant.
Genome position (GRCh38, 1-based): chr17:63,421,243, C deleted; the last of 2 consecutive C bases (chr17:63,421,242-63,421,243); deleting either gives the same sequence. VCF-style (leftmost placement, unchanged base first): chr17-63421241-AC-A. GRCh37 (hg19) VCF-style: chr17-61498602-AC-A.
Other names: c.5291del, p.Pro1764fs (NM_001411076.1); c.5261del, p.Pro1754fs (NM_025185.4); short protein forms P1754fs, P1764fs, P1838fs.
Identifiers: ClinVar variation 4685315 (VCV004685315.1).